The following is an entry in ClinVar:

NM_004082.5(DCTN1):c.2033G>C (p.Ser678Thr)

Gene: DCTN1 (dynactin subunit 1; minus strand). Cytogenetic location: 2p13.1.
Variant type: single nucleotide variant.
Coding change: c.2033G>C on transcript NM_004082.5 (MANE Select); coding-DNA position 2033, G replaced by C.
Protein change: p.Ser678Thr; replaces serine 678 with threonine.
Molecular consequence: missense variant. On other transcripts: non-coding transcript variant (1).
Genome position (GRCh38, 1-based): chr2:74,367,847, C>G on the plus strand (G>C on the coding strand, the complement: DCTN1 is on the minus strand). VCF-style: chr2-74367847-C-G. GRCh37 (hg19) VCF-style: chr2-74594974-C-G.
Other names: c.1973G>C, p.Ser658Thr (NM_001135040.3); c.1631G>C, p.Ser544Thr (NM_001135041.3, NM_023019.4); c.1922G>C, p.Ser641Thr (NM_001190836.2); c.2012G>C, p.Ser671Thr (NM_001190837.2); c.1982G>C, p.Ser661Thr (NM_001378991.1); c.1964G>C, p.Ser655Thr (NM_001378992.1); short protein forms S658T, S661T, S671T, S678T, S641T, S544T, S655T.
Identifiers: ClinVar variation 1784790 (VCV001784790.5), dbSNP rs920237300, ClinGen allele CA347351421.

ClinVar aggregate classification (germline): Uncertain significance. Review status: criteria provided, multiple submitters, no conflicts (2 of 4 stars). 2 submissions from 2 submitters: Uncertain significance (2). Last evaluated 2023-05-19.

Conditions:
Amyotrophic lateral sclerosis type 1 (ALS1). Also called: AMYOTROPHIC LATERAL SCLEROSIS 1, FAMILIAL. Identifiers: Orphanet 803, MedGen C1862939, MONDO:0007103, OMIM 105400.
Neuronopathy, distal hereditary motor, type 7B. Also called: HMN VIIB; LOWER MOTOR NEURON DISEASE, DYNACTIN TYPE; NEURONOPATHY, DISTAL HEREDITARY MOTOR, AUTOSOMAL DOMINANT 14; NEURONOPATHY, DISTAL HEREDITARY MOTOR, HARDING TYPE VIIB; NEUROPATHY, DISTAL HEREDITARY MOTOR, HARDING TYPE VIIB; NEUROPATHY, DISTAL HEREDITARY MOTOR, WITH VOCAL CORD PARALYSIS, HARDING TYPE VIIB. Identifiers: Orphanet 139589, MedGen C1843315, MONDO:0011879, OMIM 607641.
Perry syndrome. Also called: PARKINSONISM WITH ALVEOLAR HYPOVENTILATION AND MENTAL DEPRESSION. Identifiers: Orphanet 178509, MedGen C1868594, MONDO:0008201, OMIM 168605.
Inborn genetic diseases. Identifiers: MedGen C0950123, MeSH D030342.

Submissions (2):

Labcorp Genetics (formerly Invitae), Labcorp
Classification: Uncertain significance for Amyotrophic lateral sclerosis type 1; Neuronopathy, distal hereditary motor, type 7B; Perry syndrome. Last evaluated: 2023-05-19. Review status: criteria provided, single submitter. Criteria: Invitae Variant Classification Sherloc (09022015). Collection method: clinical testing. Allele origin: germline.
Comment: Advanced modeling of protein sequence and biophysical properties (such as structural, functional, and spatial information, amino acid conservation, physicochemical variation, residue mobility, and thermodynamic stability) performed at Invitae indicates that this missense variant is not expected to disrupt DCTN1 protein function. In summary, the available evidence is currently insufficient to determine the role of this variant in disease. Therefore, it has been classified as a Variant of Uncertain Significance. ClinVar contains an entry for this variant (Variation ID: 1784790). This variant has not been reported in the literature in individuals affected with DCTN1-related conditions. This variant is not present in population databases (gnomAD no frequency). This sequence change replaces serine, which is neutral and polar, with threonine, which is neutral and polar, at codon 678 of the DCTN1 protein (p.Ser678Thr).

Ambry Genetics
Classification: Uncertain significance for Inborn genetic diseases. Last evaluated: 2021-08-23. Review status: criteria provided, single submitter. Criteria: Ambry Variant Classification Scheme 2023. Collection method: clinical testing. Allele origin: germline.
Comment: The p.S678T variant (also known as c.2033G>C), located in coding exon 18 of the DCTN1 gene, results from a G to C substitution at nucleotide position 2033. The serine at codon 678 is replaced by threonine, an amino acid with similar properties. This amino acid position is conserved. In addition, this alteration is predicted to be tolerated by in silico analysis. Since supporting evidence is limited at this time, the clinical significance of this alteration remains unclear.